The following is an entry in ClinVar:

ClinVar aggregate classification (germline): Likely benign. Review status: criteria provided, single submitter (1 of 4 stars). 2 submissions from 2 submitters: Likely benign (1). 1 of the submissions does not count toward it. Last evaluated 2024-10-04.

Conditions:
LAMC3-related disorder. Also called: LAMC3-related condition.

Allele frequency attached by ClinVar (database versions not stated): gnomAD 0.00002 and 0.00003; gnomAD exomes 0.00002; ExAC 0.00004; TOPMed 0.00004.
gnomAD v4.1: 32 of 1,612,310 alleles (0.002%); highest among the groups gnomAD compares: African/African-American, 0.0027%; no homozygotes.

Submissions (2):

Labcorp Genetics (formerly Invitae), Labcorp
Classification: Likely benign. Last evaluated: 2024-10-04. Review status: criteria provided, single submitter. Criteria: Invitae Variant Classification Sherloc (09022015). Collection method: clinical testing. Allele origin: germline.

PreventionGenetics, part of Exact Sciences
Classification: Likely benign for LAMC3-related condition. Last evaluated: 2024-02-02. Review status: no assertion criteria provided. Collection method: clinical testing. Allele origin: germline. Not counted in ClinVar's aggregate classification.
Comment: This variant is classified as likely benign based on ACMG/AMP sequence variant interpretation guidelines (Richards et al. 2015 PMID: 25741868, with internal and published modifications).

NM_006059.4(LAMC3):c.3564C>T (p.Tyr1188=)

Gene: LAMC3 (laminin subunit gamma 3; plus strand). Cytogenetic location: 9q34.12.
Variant type: single nucleotide variant.
Coding change: c.3564C>T on transcript NM_006059.4 (MANE Select); coding-DNA position 3564, C replaced by T.
Protein change: p.Tyr1188=; no amino-acid change (tyrosine 1188 retained).
Molecular consequence: synonymous variant.
Genome position (GRCh38, 1-based): chr9:131,075,900, C>T. VCF-style: chr9-131075900-C-T. GRCh37 (hg19) VCF-style: chr9-133951287-C-T.
Other names: c.3564C>T (NM_006059.3).
Identifiers: ClinVar variation 1582280 (VCV001582280.10), dbSNP rs753099935, ClinGen allele CA5287849.
Genomic context (GRCh38, chr9:131,075,900, plus strand): 5'-CACCGCCACCAAGATCGCAGCCACTGCTTGGAGGGCCCTGCTCGCCTCCAACACCAGCTA[C>T]GCGCTTCTCTGGAATCTGCTGGAGGGAAGGGTGGCCCTAGAGACCCAGCGGGACCTGGAG-3'
Protein context (NP_006050.3, residues 1178-1198): WRALLASNTS[Tyr1188=]ALLWNLLEGR